The following is an entry in ClinVar:

NM_020831.6(MRTFA):c.1855G>A (p.Glu619Lys)

Gene: MRTFA (myocardin related transcription factor A; minus strand). Cytogenetic location: 22q13.1.
Variant type: single nucleotide variant.
Coding change: c.1855G>A on transcript NM_020831.6 (MANE Select); coding-DNA position 1855, G replaced by A.
Protein change: p.Glu619Lys; replaces glutamic acid 619 with lysine.
Molecular consequence: missense variant.
Genome position (GRCh38, 1-based): chr22:40,418,883, C>T on the plus strand (G>A on the coding strand, the complement: MRTFA is on the minus strand). VCF-style: chr22-40418883-C-T. GRCh37 (hg19) VCF-style: chr22-40814887-C-T.
Other names: c.1555G>A, p.Glu519Lys (NM_001282660.2); c.1705G>A, p.Glu569Lys (NM_001282661.3); c.1855G>A, p.Glu619Lys (NM_001282662.3); c.1660G>A, p.Glu554Lys (NM_001318139.2); c.1555G>A (NM_020831.3); short protein forms E519K, E554K, E569K, E619K.
Identifiers: ClinVar variation 1022135 (VCV001022135.10), dbSNP rs764363053, ClinGen allele CA10249518.

ClinVar aggregate classification (germline): Uncertain significance. Review status: criteria provided, multiple submitters, no conflicts (2 of 4 stars). 3 submissions from 3 submitters: Uncertain significance (3). Last evaluated 2025-11-03.

Allele frequency attached by ClinVar (database versions not stated): gnomAD 0.00001; TOPMed 0.00002; ExAC 0.00003; gnomAD exomes 0.00003 and 0.00004.
gnomAD v4.1: 63 of 1,612,526 alleles (0.0039%); highest among the groups gnomAD compares: Middle Eastern, 0.016%; no homozygotes.

Submissions (3):

Labcorp Genetics (formerly Invitae), Labcorp
Classification: Uncertain significance. Last evaluated: 2025-11-03. Review status: criteria provided, single submitter. Criteria: Invitae Variant Classification Sherloc (09022015). Collection method: clinical testing. Allele origin: germline.
Comment: This sequence change replaces glutamic acid, which is acidic and polar, with lysine, which is basic and polar, at codon 519 of the MKL1 protein (p.Glu519Lys). This variant is present in population databases (rs764363053, gnomAD 0.01%). This variant has not been reported in the literature in individuals affected with MKL1-related conditions. ClinVar contains an entry for this variant (Variation ID: 1022135). An algorithm developed to predict the effect of missense changes on protein structure and function (PolyPhen-2) suggests that this variant is likely to be disruptive. In summary, the available evidence is currently insufficient to determine the role of this variant in disease. Therefore, it has been classified as a Variant of Uncertain Significance.

Ambry Genetics
Classification: Uncertain significance. Last evaluated: 2024-04-16. Review status: criteria provided, single submitter. Criteria: Ambry Variant Classification Scheme 2023. Collection method: clinical testing. Allele origin: germline.

Breakthrough Genomics
Classification: Uncertain significance. Review status: criteria provided, single submitter. Criteria: ACMG Guidelines, 2015. Collection method: not provided. Allele origin: germline. Inheritance: Autosomal dominant inheritance. Affected: yes.